The following is an entry in ClinVar:

NM_024577.4(SH3TC2):c.*19519G>A

Gene: SH3TC2 (SH3 domain and tetratricopeptide repeats 2; minus strand). Cytogenetic location: 5q32.
Variant type: single nucleotide variant.
Coding change: c.*19519G>A on transcript NM_024577.4 (MANE Select); 19519 bases downstream of the stop codon, G replaced by A.
Molecular consequence: 3 prime UTR variant.
Genome position (GRCh38, 1-based): chr5:148,985,192, C>T on the plus strand (G>A on the coding strand, the complement: SH3TC2 is on the minus strand). VCF-style: chr5-148985192-C-T. GRCh37 (hg19) VCF-style: chr5-148364755-C-T.
Identifiers: ClinVar variation 351597 (VCV000351597.8), dbSNP rs10039839, ClinGen allele CA10619419.
Genomic context (GRCh38, chr5:148,985,192, plus strand): 5'-GAGCTACTTTTCTGGAAAAAAAAAAAACTATTCACTCAAAGCACTTAAAATCAAAACACA[C>T]GCAAAAATATATTACTACTCATTTGAGGGTACCCTGTTATGAAGGTATAATTTATATATA-3'

ClinVar aggregate classification (germline): Benign. Review status: criteria provided, multiple submitters, no conflicts (2 of 4 stars). 3 submissions from 2 submitters: Benign (3). Last evaluated 2021-05-16.

Conditions:
Susceptibility to mononeuropathy of the median nerve, mild. Also called: CARPAL TUNNEL SYNDROME, SUSCEPTIBILITY TO. Identifiers: MedGen C3150596, MONDO:0013237, OMIM 613353.
Charcot-Marie-Tooth disease type 4C (CMT4C). Also called: CHARCOT-MARIE-TOOTH DISEASE, DEMYELINATING, AUTOSOMAL RECESSIVE, TYPE 4C; CMT 4C; Charcot-Marie-Tooth Neuropathy Type 4C (CMT4C); CHARCOT-MARIE-TOOTH DISEASE, DEMYELINATING, TYPE 4C; SH3TC2-Related Hereditary Motor and Sensory Neuropathy. Identifiers: Orphanet 99949, MedGen C1866636, MONDO:0011113, OMIM 601596.

Allele frequency attached by ClinVar (database versions not stated): gnomAD 0.07772 and 0.07821; TOPMed 0.09666; 1000 Genomes Project 0.10923; 1000 Genomes Project 30x 0.11212.
gnomAD v4.1: 11,697 of 151,194 alleles (7.7%); highest among the groups gnomAD compares: Admixed American, 18%; 892 homozygotes.

Submissions (3):

GeneDx
Classification: Benign. Last evaluated: 2021-05-16. Review status: criteria provided, single submitter. Criteria: GeneDx Variant Classification Process June 2021. Collection method: clinical testing. Allele origin: germline. Affected: yes.

Illumina Laboratory Services, Illumina
Classification: Benign for Susceptibility to mononeuropathy of the median nerve, mild. Last evaluated: 2018-01-12. Review status: criteria provided, single submitter. Criteria: ICSL Variant Classification Criteria 13 December 2019. Collection method: clinical testing. Allele origin: germline.
Comment: This variant was observed in the ICSL laboratory as part of a predisposition screen in an ostensibly healthy population. It had not been previously curated by ICSL or reported in the Human Gene Mutation Database (HGMD: prior to June 1st, 2018), and was therefore a candidate for classification through an automated scoring system. Utilizing variant allele frequency, disease prevalence and penetrance estimates, and inheritance mode, an automated score was calculated to assess if this variant is too frequent to cause the disease. Based on the score and internal cut-off values, a variant classified as benign is not then subjected to further curation. The score for this variant resulted in a classification of benign for this disease.

Illumina Laboratory Services, Illumina
Classification: Benign for Charcot-Marie-Tooth disease type 4C. Last evaluated: 2018-01-12. Review status: criteria provided, single submitter. Criteria: ICSL Variant Classification Criteria 13 December 2019. Collection method: clinical testing. Allele origin: germline.
Comment: the same text as in the submission from Illumina Laboratory Services, Illumina above.